The following is an entry in ClinVar:

ClinVar aggregate classification (germline): Uncertain significance (1 of 4 stars; one submission).

Submission:

Labcorp Genetics (formerly Invitae), Labcorp
Classification: Uncertain significance. Last evaluated: 2021-08-12. Review status: criteria provided, single submitter. Criteria: Invitae Variant Classification Sherloc (09022015). Collection method: clinical testing. Allele origin: germline.
Comment: This variant is not present in population databases (ExAC no frequency). This sequence change falls in intron 19 of the OCA2 gene. It does not directly change the encoded amino acid sequence of the OCA2 protein. It affects a nucleotide within the consensus splice site of the intron. In summary, the available evidence is currently insufficient to determine the role of this variant in disease. Therefore, it has been classified as a Variant of Uncertain Significance. Variants that disrupt the consensus splice site are a relatively common cause of aberrant splicing (PMID: 17576681, 9536098). Algorithms developed to predict the effect of sequence changes on RNA splicing suggest that this variant may disrupt the consensus splice site. This variant has been observed in individual(s) with oculocutaneous albinism (Invitae).

Literature cited by the submitters: PubMed 17576681; PubMed 9536098.

NM_000275.3(OCA2):c.2079+3A>G

Gene: OCA2 (OCA2 melanosomal transmembrane protein; minus strand). Cytogenetic location: 15q13.1.
Variant type: single nucleotide variant.
Coding change: c.2079+3A>G on transcript NM_000275.3 (MANE Select); 3 bases into the intron after coding-DNA position 2079, A replaced by G.
Molecular consequence: intron variant.
Genome position (GRCh38, 1-based): chr15:27,926,124, T>C on the plus strand (A>G on the coding strand, the complement: OCA2 is on the minus strand). VCF-style: chr15-27926124-T-C. GRCh37 (hg19) VCF-style: chr15-28171270-T-C.
Other names: c.2007+3A>G (NM_001300984.2).
Identifiers: ClinVar variation 1374674 (VCV001374674.6), dbSNP rs2140370979, ClinGen allele CA2573150604.